The following is an entry in ClinVar:

NM_006231.4(POLE):c.3224G>C (p.Ser1075Thr)

Gene: POLE (DNA polymerase epsilon, catalytic subunit; minus strand). Cytogenetic location: 12q24.33.
Variant type: single nucleotide variant.
Coding change: c.3224G>C on transcript NM_006231.4 (MANE Select); coding-DNA position 3224, G replaced by C.
Protein change: p.Ser1075Thr; replaces serine 1075 with threonine.
Molecular consequence: missense variant.
Genome position (GRCh38, 1-based): chr12:132,659,346, C>G on the plus strand (G>C on the coding strand, the complement: POLE is on the minus strand). VCF-style: chr12-132659346-C-G. GRCh37 (hg19) VCF-style: chr12-133235932-C-G.
Other names: short protein forms S1075T.
Identifiers: ClinVar variation 1312677 (VCV001312677.3), dbSNP rs750986436, ClinGen allele CA6893338.
Genomic context (GRCh38, chr12:132,659,346, plus strand): 5'-AGCCCTCACCTCTCCGTGACAGGGGAGCCCTCGGGCTTGCGGGAGATGATGTAGCGGCAA[C>G]TCAGCCCTGCATCCTTGACCATCTGGTCTCCCAGGAACTCGGCCAGGCGCTTTGCTGTGC-3'
Protein context (NP_006222.2, residues 1065-1085): GDQMVKDAGL[Ser1075Thr]CRYIISRKPE

ClinVar aggregate classification (germline): Uncertain significance. Review status: criteria provided, multiple submitters, no conflicts (2 of 4 stars). 2 submissions from 2 submitters: Uncertain significance (2). Last evaluated 2025-11-01.

Conditions:
Hereditary cancer-predisposing syndrome. Also called: Tumor predisposition; Neoplastic Syndromes, Hereditary; Hereditary Cancer Syndrome; Hereditary neoplastic syndrome. Identifiers: Orphanet 140162, MedGen C0027672, MeSH D009386, MONDO:0015356.

Allele frequency attached by ClinVar (database versions not stated): gnomAD exomes below 0.00001; ExAC 0.00001.
gnomAD v4.1: 1 of 1,613,996 alleles (0.000062%); highest among the groups gnomAD compares: South Asian, 0.0011%; no homozygotes.

Submissions (2):

Ambry Genetics
Classification: Uncertain significance for Hereditary cancer-predisposing syndrome. Last evaluated: 2025-11-01. Review status: criteria provided, single submitter. Criteria: Ambry Variant Classification Scheme 2023. Collection method: clinical testing. Allele origin: germline.
Comment: The p.S1075T variant (also known as c.3224G>C), located in coding exon 26 of the POLE gene, results from a G to C substitution at nucleotide position 3224. The serine at codon 1075 is replaced by threonine, an amino acid with similar properties. This amino acid position is conserved. In addition, this alteration is predicted to be tolerated by in silico analysis. Based on the available evidence, the clinical significance of this variant remains unclear.

GeneDx
Classification: Uncertain significance. Last evaluated: 2020-06-05. Review status: criteria provided, single submitter. Criteria: GeneDx Variant Classification Process June 2021. Collection method: clinical testing. Allele origin: germline. Affected: yes.
Comment: Not observed at a significant frequency in large population cohorts (Lek et al., 2016); In silico analysis supports that this missense variant does not alter protein structure/function; Has not been previously published as pathogenic or benign to our knowledge